The following is an entry in ClinVar:

NM_000426.4(LAMA2):c.2868del (p.Phe956fs)

Gene: LAMA2 (laminin subunit alpha 2; plus strand). Cytogenetic location: 6q22.33.
Variant type: Deletion.
Coding change: c.2868del on transcript NM_000426.4 (MANE Select); coding-DNA position 2868, one base deleted (T; older notation c.2868delT).
Protein change: p.Phe956fs; shifts the reading frame from phenylalanine 956.
Molecular consequence: frameshift variant.
Genome position (GRCh38, 1-based): chr6:129,297,696, T deleted; the last of 3 consecutive T bases (chr6:129,297,694-129,297,696); deleting any one gives the same sequence. VCF-style (leftmost placement, unchanged base first): chr6-129297693-CT-C. GRCh37 (hg19) VCF-style: chr6-129618838-CT-C.
Other names: c.2868del, p.Phe956fs (NM_001079823.2); short protein forms F956fs.
Identifiers: ClinVar variation 5011288 (VCV005011288.1).

ClinVar aggregate classification (germline): Pathogenic (1 of 4 stars; one submission).

Conditions:
LAMA2-related muscular dystrophy (LAMA2-RD). Also called: Laminin alpha 2-related dystrophy. Identifiers: MedGen C5679788, MONDO:0100228.

Submission:

Myriad Genetics, Inc.
Classification: Pathogenic for LAMA2-related muscular dystrophy. Last evaluated: 2023-08-09. Review status: criteria provided, single submitter. Criteria: Myriad Autosomal Dominant, Autosomal Recessive and X-Linked Classification Criteria (2023). Collection method: clinical testing. Allele origin: unknown.
Comment: NM_000426.3(LAMA2):c.2868delT(F956Lfs*119) is expected to be pathogenic in the context of muscular dystrophy, LAMA2-related. This variant is predicted to lead to an abnormal or absent protein product due to the creation of a premature termination codon in LAMA2, a gene where loss-of-function variants are known to be pathogenic. Please note: this variant was assessed in the context of healthy population screening.